The following is an entry in ClinVar:

ClinVar aggregate classification (germline): Uncertain significance. Review status: criteria provided, multiple submitters, no conflicts (2 of 4 stars). 4 submissions from 4 submitters: Uncertain significance (3). 1 of the submissions does not count toward it. Last evaluated 2022-03-16.

Conditions:
KCNA1-related disorder. Also called: KCNA1-related disorders; KCNA1-related condition.
Inborn genetic diseases. Identifiers: MedGen C0950123, MeSH D030342.
Episodic ataxia type 1 (EA1). Also called: ATAXIA, EPISODIC, WITH MYOKYMIA; PAROXYSMAL ATAXIA WITH NEUROMYOTONIA, HEREDITARY; MYOKYMIA WITH PERIODIC ATAXIA; Episodic ataxia/myokymia syndrome. Identifiers: Orphanet 37612, Orphanet 972, MedGen C1719788, MONDO:0008047, OMIM 160120.

Allele frequency attached by ClinVar (database versions not stated): gnomAD exomes below 0.00001; gnomAD 0.00001; TOPMed 0.00001.
gnomAD v4.1: 5 of 1,613,566 alleles (0.00031%); highest among the groups gnomAD compares: African/African-American, 0.0027%; no homozygotes.

Submissions (4):

Ambry Genetics
Classification: Uncertain significance for Inborn genetic diseases. Last evaluated: 2022-03-16. Review status: criteria provided, single submitter. Criteria: Ambry Variant Classification Scheme 2023. Collection method: clinical testing. Allele origin: germline.

Labcorp Genetics (formerly Invitae), Labcorp
Classification: Uncertain significance for Episodic ataxia type 1. Last evaluated: 2021-08-26. Review status: criteria provided, single submitter. Criteria: Invitae Variant Classification Sherloc (09022015). Collection method: clinical testing. Allele origin: germline.
Comment: In summary, the available evidence is currently insufficient to determine the role of this variant in disease. Therefore, it has been classified as a Variant of Uncertain Significance. Advanced modeling of protein sequence and biophysical properties (such as structural, functional, and spatial information, amino acid conservation, physicochemical variation, residue mobility, and thermodynamic stability) performed at Invitae indicates that this missense variant is not expected to disrupt KCNA1 protein function. ClinVar contains an entry for this variant (Variation ID: 586089). This variant has not been reported in the literature in individuals affected with KCNA1-related conditions. This variant is not present in population databases (ExAC no frequency). This sequence change replaces methionine with threonine at codon 449 of the KCNA1 protein (p.Met449Thr). The methionine residue is weakly conserved and there is a moderate physicochemical difference between methionine and threonine.

Athena Diagnostics
Classification: Uncertain significance. Last evaluated: 2018-05-01. Review status: criteria provided, single submitter. Criteria: Athena Diagnostics Criteria. Collection method: clinical testing. Allele origin: germline.

PreventionGenetics, part of Exact Sciences
Classification: Uncertain significance for KCNA1-related condition. Last evaluated: 2024-06-28. Review status: no assertion criteria provided. Collection method: clinical testing. Allele origin: germline. Not counted in ClinVar's aggregate classification.
Comment: The KCNA1 c.1346T>C variant is predicted to result in the amino acid substitution p.Met449Thr. To our knowledge, this variant has not been reported in the literature. This variant is reported in 0.0040% of alleles in individuals of African descent in gnomAD. At this time, the clinical significance of this variant is uncertain due to the absence of conclusive functional and genetic evidence.

NM_000217.3(KCNA1):c.1346T>C (p.Met449Thr)

Gene: KCNA1 (potassium voltage-gated channel subfamily A member 1; plus strand). Cytogenetic location: 12p13.32.
Variant type: single nucleotide variant.
Coding change: c.1346T>C on transcript NM_000217.3 (MANE Select); coding-DNA position 1346, T replaced by C.
Protein change: p.Met449Thr; replaces methionine 449 with threonine.
Molecular consequence: missense variant.
Genome position (GRCh38, 1-based): chr12:4,912,724, T>C. VCF-style: chr12-4912724-T-C. GRCh37 (hg19) VCF-style: chr12-5021890-T-C.
Other names: short protein forms M449T.
Identifiers: ClinVar variation 586089 (VCV000586089.9), dbSNP rs1481224137, ClinGen allele CA383456574.